The following is an entry in ClinVar:

NM_001982.4(ERBB3):c.3202-2A>G

Gene: ERBB3 (erb-b2 receptor tyrosine kinase 3; plus strand). Cytogenetic location: 12q13.2.
Variant type: single nucleotide variant.
Coding change: c.3202-2A>G on transcript NM_001982.4 (MANE Select); the canonical splice acceptor site of the intron before coding-DNA position 3202, A replaced by G.
Molecular consequence: splice acceptor variant.
Genome position (GRCh38, 1-based): chr12:56,101,059, A>G. VCF-style: chr12-56101059-A-G. GRCh37 (hg19) VCF-style: chr12-56494843-A-G.
Identifiers: ClinVar variation 2627242 (VCV002627242.2), dbSNP rs762129530, ClinGen allele CA6622886.

ClinVar aggregate classification (germline): Likely pathogenic (1 of 4 stars; one submission).

Conditions:
Lethal congenital contracture syndrome 2 (LCCS2). Also called: MULTIPLE CONTRACTURE SYNDROME, ISRAELI BEDOUIN TYPE A; Lethal congenital contractural syndrome 2. Identifiers: Orphanet 137776, MedGen C1843478, MONDO:0011868, OMIM 607598.

Allele frequency attached by ClinVar (database versions not stated): gnomAD exomes 0.00004; TOPMed 0.00004; ExAC 0.00005.
gnomAD v4.1: 22 of 1,609,666 alleles (0.0014%); highest among the groups gnomAD compares: Admixed American, 0.037%; no homozygotes.

Submission:

Women's Health and Genetics/Laboratory Corporation of America, LabCorp
Classification: Likely pathogenic for Lethal congenital contracture syndrome 2. Last evaluated: 2025-05-08. Review status: criteria provided, single submitter. Criteria: LabCorp Variant Classification Summary - May 2015. Collection method: clinical testing. Allele origin: germline.
Comment: Variant summary: ERBB3 c.3202-2A>G is located in a canonical splice-site and is predicted to affect mRNA splicing resulting in a significantly altered protein due to either exon skipping, shortening, or inclusion of intronic material. Variants that disrupt the consensus splice site are a relatively common cause of aberrant splicing and loss of ERBB3 function. Several computational tools predict a significant impact on normal splicing: Four predict the variant abolishes a 3 acceptor site. However, these predictions have yet to be confirmed by functional studies. The variant allele was found at a frequency of 8.4e-05 in 250426 control chromosomes (gnomAD). This frequency is not significantly higher than estimated for a pathogenic variant in ERBB3 causing Lethal congenital contracture syndrome 2, allowing no conclusion about variant significance. To our knowledge, no occurrence of c.3202-2A>G in individuals affected with Lethal congenital contracture syndrome 2 and no experimental evidence demonstrating its impact on protein function have been reported. ClinVar contains an entry for this variant (Variation ID: 2627242). Based on the evidence outlined above, the variant was classified as likely pathogenic.